The following is an entry in ClinVar:

ClinVar aggregate classification (germline): Likely pathogenic (0 of 4 stars; one submission).

Conditions:
King Denborough syndrome (KDS). Identifiers: MedGen C1840365, MONDO:0020485, OMIM 619542.

Submission:

Solve-RD Consortium
Classification: Likely pathogenic for King Denborough syndrome. Last evaluated: 2022-06-01. Review status: no assertion criteria provided. Collection method: provider interpretation. Allele origin: inherited. Affected: yes.
Comment: Variant confirmed as disease-causing by referring clinical team

Variant identified during reanalysis of unsolved cases by the Solve-RD project. The Solve-RD project has received funding from the European Union’s Horizon 2020 research and innovation programme under grant agreement No 779257.

Literature cited by the submitters: PubMed 39825153.

NM_000540.3(RYR1):c.11359+1del

Gene: RYR1 (ryanodine receptor 1; plus strand). Cytogenetic location: 19q13.2.
Variant type: Deletion.
Coding change: c.11359+1del on transcript NM_000540.3 (MANE Select); the canonical splice donor site of the intron after coding-DNA position 11359, one base deleted (G; older notation c.11359+1delG).
Molecular consequence: splice donor variant.
Genome position (GRCh38, 1-based): chr19:38,534,820, G deleted; the last of 2 consecutive G bases (chr19:38,534,819-38,534,820); deleting either gives the same sequence. VCF-style (leftmost placement, unchanged base first): chr19-38534818-AG-A. GRCh37 (hg19) VCF-style: chr19-39025458-AG-A.
Other names: c.11344+1del (NM_001042723.2).
Identifiers: ClinVar variation 3338100 (VCV003338100.1).